The following is an entry in ClinVar:

NM_001319217.2(CYP1A1):c.177G>A (p.Pro59=)

Gene: CYP1A1 (cytochrome P450 family 1 subfamily A member 1; minus strand). Cytogenetic location: 15q24.1.
Variant type: single nucleotide variant.
Coding change: c.177G>A on transcript NM_001319217.2 (MANE Select); coding-DNA position 177, G replaced by A.
Protein change: p.Pro59=; no amino-acid change (proline 59 retained).
Molecular consequence: synonymous variant.
Genome position (GRCh38, 1-based): chr15:74,722,921, C>T on the plus strand (G>A on the coding strand, the complement: CYP1A1 is on the minus strand). VCF-style: chr15-74722921-C-T. GRCh37 (hg19) VCF-style: chr15-75015262-C-T.
Other names: c.177G>A, p.Pro59= (NM_000499.5, NM_001319216.2).
Identifiers: ClinVar variation 3038608 (VCV003038608.2), dbSNP rs578251068, ClinGen allele CA7659611.
Genomic context (GRCh38, chr15:74,722,921, plus strand): 5'-GCCAATTCGGATCTGCAGCACGTCCCCATACTGCTGGCTCATCCTTGACAGTGCCAGGTG[C>T]GGGTTCTTTCCCAGGGTCAGCATGTGCCCAATCAGAGGCCAGCCCCATGGCCCTGGTGGA-3'
Protein context (NP_001306146.1, residues 49-69): IGHMLTLGKN[Pro59=]HLALSRMSQQ

ClinVar aggregate classification (germline): Likely benign (0 of 4 stars; one submission).

Conditions:
CYP1A1-related disorder. Also called: CYP1A1-related condition.

Allele frequency attached by ClinVar (database versions not stated): gnomAD 0.00001; ExAC 0.00004.
gnomAD v4.1: 83 of 1,613,994 alleles (0.0051%); highest among the groups gnomAD compares: Middle Eastern, 0.016%; no homozygotes.

Submission:

PreventionGenetics, part of Exact Sciences
Classification: Likely benign for CYP1A1-related condition. Last evaluated: 2019-03-25. Review status: no assertion criteria provided. Collection method: clinical testing. Allele origin: germline.
Comment: This variant is classified as likely benign based on ACMG/AMP sequence variant interpretation guidelines (Richards et al. 2015 PMID: 25741868, with internal and published modifications).